The following is an entry in ClinVar:

ClinVar aggregate classification (germline): Conflicting classifications of pathogenicity. Review status: criteria provided, conflicting classifications (1 of 4 stars). 9 submissions from 9 submitters: Pathogenic (3); Likely pathogenic (5); Uncertain significance (1). Last evaluated 2026-08-06.

Conditions:
ALDH7A1-related disorder. Also called: ALDH7A1-related condition.
Inborn genetic diseases. Identifiers: MedGen C0950123, MeSH D030342.
Epilepsy. Also called: Seizure disorder. Identifiers: MedGen C0014544, MeSH D004827, MONDO:0005027.
Pyridoxine-dependent epilepsy (EPEO4). Also called: Pyridoxine-Dependent Seizures; PYRIDOXINE DEPENDENCY WITH SEIZURES; Pyridoxine-Dependent Epilepsy - ALDH7A1; EPILEPSY, EARLY-ONSET, 4, VITAMIN B6-DEPENDENT. Identifiers: Orphanet 3006, MedGen C1849508, MONDO:0009945, OMIM 266100. Disease mechanism: loss of function.

Allele frequency attached by ClinVar (database versions not stated): gnomAD 0.00004 and 0.00005; ESP Exome Variant Server 0.00008; TOPMed 0.00009; ExAC 0.00011; 1000 Genomes Project 30x 0.00031; 1000 Genomes Project 0.00040.
gnomAD v4.1: 101 of 1,614,028 alleles (0.0063%); highest among the groups gnomAD compares: Admixed American, 0.027%; no homozygotes.

Submissions (9):

Cytogénomique, Hospices Civils de Lyon
Classification: Pathogenic for Epilepsy. Last evaluated: 2026-08-06. Review status: criteria provided, single submitter. Criteria: ACMG Guidelines, 2015. Collection method: clinical testing. Allele origin: germline. Affected: yes.

Ambry Genetics
Classification: Likely pathogenic for Inborn genetic diseases. Last evaluated: 2026-06-26. Review status: criteria provided, single submitter. Criteria: Ambry Variant Classification Scheme 2023. Collection method: clinical testing. Allele origin: germline.
Comment: The c.364C>T (p.R122W) alteration is located in exon 4 (coding exon 4) of the ALDH7A1 gene. This alteration results from a C to T substitution at nucleotide position 364, causing the arginine (R) at amino acid position 122 to be replaced by a tryptophan (W). Based on data from gnomAD, the T allele has an overall frequency of 0.009% (26/282864) total alleles studied. The highest observed frequency was 0.031% (11/35440) of Latino alleles. This variant has been identified in conjunction with other ALDH7A1 variants in individuals with features consistent with autosomal recessive pyridoxine-dependent epilepsy; in at least one instance, the variants were identified in trans (Coughlin, 2019; Jiao, 2021). This amino acid position is highly conserved in available vertebrate species. The in silico prediction for this alteration is inconclusive. Based on the available evidence, this alteration is classified as likely pathogenic.

CeGaT Center for Human Genetics Tuebingen
Classification: Likely pathogenic. Last evaluated: 2026-02-01. Review status: criteria provided, single submitter. Criteria: CeGaT Center For Human Genetics Tuebingen Variant Classification Criteria Version 2. Collection method: clinical testing. Allele origin: germline. Affected: yes. Observed: 1 variant allele.
Comment: ALDH7A1: PM3:Strong, PM2, PM5:Supporting

Labcorp Genetics (formerly Invitae), Labcorp
Classification: Pathogenic for Pyridoxine-dependent epilepsy. Last evaluated: 2026-01-28. Review status: criteria provided, single submitter. Criteria: Invitae Variant Classification Sherloc (09022015). Collection method: clinical testing. Allele origin: germline.
Comment: This sequence change replaces arginine, which is basic and polar, with tryptophan, which is neutral and slightly polar, at codon 122 of the ALDH7A1 protein (p.Arg122Trp). This variant is present in population databases (rs370624118, gnomAD 0.03%). This missense change has been observed in individual(s) with pyridoxine-dependent epilepsy (internal data). In at least one individual the data is consistent with being in trans (on the opposite chromosome) from a pathogenic variant. It has also been observed to segregate with disease in related individuals. ClinVar contains an entry for this variant (Variation ID: 204863). Invitae Evidence Modeling of protein sequence and biophysical properties (such as structural, functional, and spatial information, amino acid conservation, physicochemical variation, residue mobility, and thermodynamic stability) indicates that this missense variant is expected to disrupt ALDH7A1 protein function with a positive predictive value of 95%. For these reasons, this variant has been classified as Pathogenic.

GeneDx
Classification: Likely pathogenic. Last evaluated: 2025-07-17. Review status: criteria provided, single submitter. Criteria: GeneDx Variant Classification Process June 2021. Collection method: clinical testing. Allele origin: germline. Affected: yes.
Comment: In silico analysis supports that this missense variant has a deleterious effect on protein structure/function; This variant is associated with the following publications: (PMID: 30043187, 32956737, 33868381, 31737911, 34926809)

Blueprint Genetics
Classification: Likely pathogenic for ALDH7A1-related disorders. Last evaluated: 2024-09-23. Review status: criteria provided, single submitter. Criteria: ACMG Guidelines, 2015. Collection method: clinical testing. Allele origin: germline. Affected: yes. Observed: 5 variant alleles.

Fulgent Genetics
Classification: Pathogenic for Pyridoxine-dependent epilepsy. Last evaluated: 2024-05-29. Review status: criteria provided, single submitter. Criteria: ACMG Guidelines, 2015. Collection method: clinical testing. Allele origin: germline.

Women's Health and Genetics/Laboratory Corporation of America, LabCorp
Classification: Likely pathogenic for Pyridoxine-dependent epilepsy. Last evaluated: 2023-10-12. Review status: criteria provided, single submitter. Criteria: LabCorp Variant Classification Summary - May 2015. Collection method: clinical testing. Allele origin: germline.
Comment: Variant summary: ALDH7A1 c.364C>T (p.Arg122Trp) results in a non-conservative amino acid change located in the Aldehyde dehydrogenase domain (IPR015590) of the encoded protein sequence. Five of five in-silico tools predict a damaging effect of the variant on protein function. The variant allele was found at a frequency of 9.1e-05 in 251474 control chromosomes. This frequency is not significantly higher than estimated for a pathogenic variant in ALDH7A1 causing Pyridoxine-Dependent Epilepsy (9.1e-05 vs 0.0018), allowing no conclusion about variant significance. c.364C>T has been reported in the literature in individuals affected with Pyridoxine-Dependent Epilepsy, and was shown to segregate with disease in two affected brothers (example, Coughlin_2019, Jiao_2020, Jiao_2021, McKnight_2021). These data indicate that the variant is likely to be associated with disease. Experimental evidence evaluating an impact on protein function demonstrated the enzyme activity of the variant to be 81% of wild type (Coughlin_2019). The following publications have been ascertained in the context of this evaluation (PMID: 25969726, 30043187, 31737911, 33868381, 34926809). Four submitters have cited clinical-significance assessments for this variant to ClinVar after 2014 (Pathogenic, n=1, VUS, n=3). Based on the evidence outlined above, the variant was classified as likely pathogenic.

Genetic Services Laboratory, University of Chicago
Classification: Uncertain significance. Last evaluated: 2015-09-28. Review status: criteria provided, single submitter. Criteria: ACMG Guidelines, 2015. Collection method: clinical testing. Allele origin: germline. Affected: no.

Literature cited by the submitters: PubMed 30043187 (cited by Ambry Genetics and Women's Health and Genetics/Laboratory Corporation of America, LabCorp); PubMed 33868381 (cited by Ambry Genetics and Women's Health and Genetics/Laboratory Corporation of America, LabCorp); PubMed 31737911 (cited by Women's Health and Genetics/Laboratory Corporation of America, LabCorp); PubMed 34926809 (cited by Women's Health and Genetics/Laboratory Corporation of America, LabCorp); PubMed 25969726 (cited by Women's Health and Genetics/Laboratory Corporation of America, LabCorp).

NM_001182.5(ALDH7A1):c.364C>T (p.Arg122Trp)

Gene: ALDH7A1 (aldehyde dehydrogenase 7 family member A1; minus strand). Cytogenetic location: 5q23.2.
Variant type: single nucleotide variant.
Coding change: c.364C>T on transcript NM_001182.5 (MANE Select); coding-DNA position 364, C replaced by T.
Protein change: p.Arg122Trp; replaces arginine 122 with tryptophan.
Molecular consequence: missense variant.
Genome position (GRCh38, 1-based): chr5:126,583,961, G>A on the plus strand (C>T on the coding strand, the complement: ALDH7A1 is on the minus strand). VCF-style: chr5-126583961-G-A. GRCh37 (hg19) VCF-style: chr5-125919653-G-A.
Other names: p.R122W:CGG>TGG; c.280C>T, p.Arg94Trp (NM_001201377.2); c.364C>T, p.Arg122Trp (NM_001202404.2); short protein forms R122W, R94W.
Identifiers: ClinVar variation 204863 (VCV000204863.35), dbSNP rs370624118, ClinGen allele CA313231.